The following is an entry in ClinVar:

ClinVar aggregate classification (germline): Uncertain significance (1 of 4 stars; one submission).

Conditions:
Hereditary cancer-predisposing syndrome. Also called: Neoplastic Syndromes, Hereditary; Hereditary Cancer Syndrome; Hereditary neoplastic syndrome; Tumor predisposition. Identifiers: Orphanet 140162, MedGen C0027672, MeSH D009386, MONDO:0015356.

Submission:

Ambry Genetics
Classification: Uncertain significance for Hereditary cancer-predisposing syndrome. Last evaluated: 2026-04-04. Review status: criteria provided, single submitter. Criteria: Ambry Variant Classification Scheme 2023. Collection method: clinical testing. Allele origin: germline.
Comment: The p.N159S variant (also known as c.476A>G), located in coding exon 4 of the FH gene, results from an A to G substitution at nucleotide position 476. The asparagine at codon 159 is replaced by serine, an amino acid with highly similar properties. This amino acid position is conserved. In addition, the in silico prediction for this alteration is inconclusive. Based on the available evidence, the clinical significance of this variant remains unclear.

NM_000143.4(FH):c.476A>G (p.Asn159Ser)

Gene: FH (fumarate hydratase; minus strand). Cytogenetic location: 1q43.
Variant type: single nucleotide variant.
Coding change: c.476A>G on transcript NM_000143.4 (MANE Select); coding-DNA position 476, A replaced by G.
Protein change: p.Asn159Ser; replaces asparagine 159 with serine.
Molecular consequence: missense variant.
Genome position (GRCh38, 1-based): chr1:241,512,046, T>C on the plus strand (A>G on the coding strand, the complement: FH is on the minus strand). VCF-style: chr1-241512046-T-C. GRCh37 (hg19) VCF-style: chr1-241675346-T-C.
Other names: short protein forms N159S.
Identifiers: ClinVar variation 4871321 (VCV004871321.1).
Genomic context (GRCh38, chr1:241,512,046, plus strand): 5'-TCGTTGGGATGCACAGGTATCTTGCTGCCAAGTTCACCTCCTAACATTTCAATTGCTCTA[T>C]TGCTAATGACTTCATTTACATTCATATTTGTCTGAGTTCCTGATCCAGTCTGCCATACCA-3'
Protein context (NP_000134.2, residues 149-169): TNMNVNEVIS[Asn159Ser]RAIEMLGGEL